The following is an entry in ClinVar:

ClinVar aggregate classification (germline): Uncertain significance (1 of 4 stars; one submission).

Submission:

CeGaT Center for Human Genetics Tuebingen
Classification: Uncertain significance. Last evaluated: 2024-10-01. Review status: criteria provided, single submitter. Criteria: CeGaT Center For Human Genetics Tuebingen Variant Classification Criteria Version 2. Collection method: clinical testing. Allele origin: germline. Affected: yes. Observed: 1 variant allele.
Comment: JAK2: PM2, BP5

NM_004972.4(JAK2):c.2464T>G (p.Leu822Val)

Genes: INSL6 (insulin like 6; minus strand), JAK2 (Janus kinase 2; plus strand). Cytogenetic location: 9p24.1.
Variant type: single nucleotide variant.
Coding change: c.2464T>G on transcript NM_004972.4 (MANE Select); coding-DNA position 2464, T replaced by G.
Protein change: p.Leu822Val; replaces leucine 822 with valine.
Molecular consequence: missense variant. On other transcripts: non-coding transcript variant (2).
Genome position (GRCh38, 1-based): chr9:5,081,754, T>G. VCF-style: chr9-5081754-T-G. GRCh37 (hg19) VCF-style: chr9-5081754-T-G.
Other names: c.2464T>G, p.Leu822Val (NM_001322194.2, NM_001322195.2, NM_001322196.2); c.1249T>G, p.Leu417Val (NM_001322198.2, NM_001322199.2); c.2017T>G, p.Leu673Val (NM_001322204.2); short protein forms L417V, L673V, L822V.
Identifiers: ClinVar variation 3389830 (VCV003389830.14).
Genomic context (GRCh38, chr9:5,081,754, plus strand): 5'-TTTAAGGTGATAATATTCTTTATTTCTCCAGATTATGAACTATTAACAGAAAATGACATG[T>G]TACCAAATATGAGGATAGGTGCCCTGGGGTTTTCTGGTGCCTTTGAAGACCGGGATCCTA-3'
Protein context (NP_004963.1, residues 812-832): DYELLTENDM[Leu822Val]PNMRIGALGF